The following is an entry in ClinVar:

NM_000719.7(CACNA1C):c.3311C>T (p.Ala1104Val)

Gene: CACNA1C (calcium voltage-gated channel subunit alpha1 C; plus strand). Cytogenetic location: 12p13.33.
Variant type: single nucleotide variant.
Coding change: c.3311C>T on transcript NM_000719.7 (MANE Select); coding-DNA position 3311, C replaced by T.
Protein change: p.Ala1104Val; replaces alanine 1104 with valine.
Molecular consequence: missense variant.
Genome position (GRCh38, 1-based): chr12:2,607,085, C>T. VCF-style: chr12-2607085-C-T. GRCh37 (hg19) VCF-style: chr12-2716251-C-T.
Other names: c.3371C>T, p.Ala1124Val (NM_001129827.2, NM_001129832.2, NM_199460.4); c.3311C>T, p.Ala1104Val (NM_001129829.2, NM_001129830.3, NM_001129831.2 and 15 more transcripts); c.3302C>T, p.Ala1101Val (NM_001129844.2); short protein forms A1101V, A1124V, A1104V.
Identifiers: ClinVar variation 661291 (VCV000661291.9), dbSNP rs987119986, ClinGen allele CA231604280.

ClinVar aggregate classification (germline): Uncertain significance (1 of 4 stars; one submission).

Conditions:
Long QT syndrome (LQTS). Identifiers: MedGen C0023976, MeSH D008133, MONDO:0002442. Disease mechanism: loss of function. Inheritance: Various modes of inheritance.

Submission:

Labcorp Genetics (formerly Invitae), Labcorp
Classification: Uncertain significance for Long QT syndrome. Last evaluated: 2020-03-04. Review status: criteria provided, single submitter. Criteria: Invitae Variant Classification Sherloc (09022015). Collection method: clinical testing. Allele origin: germline.
Comment: In summary, the available evidence is currently insufficient to determine the role of this variant in disease. Therefore, it has been classified as a Variant of Uncertain Significance. Algorithms developed to predict the effect of missense changes on protein structure and function are either unavailable or do not agree on the potential impact of this missense change (SIFT: "Deleterious"; PolyPhen-2: "Possibly Damaging"; Align-GVGD: "Class C0"). This variant has not been reported in the literature in individuals with CACNA1C-related disease. This variant is not present in population databases (ExAC no frequency). This sequence change replaces alanine with valine at codon 1104 of the CACNA1C protein (p.Ala1104Val). The alanine residue is moderately conserved and there is a small physicochemical difference between alanine and valine.